The following is an entry in ClinVar:

NM_006767.4(LZTR1):c.973_974dup (p.Gln325fs)

Gene: LZTR1 (leucine zipper like post translational regulator 1; plus strand). Cytogenetic location: 22q11.21.
Variant type: Duplication.
Coding change: c.973_974dup on transcript NM_006767.4 (MANE Select); coding-DNA positions 973 to 974, 2 bases duplicated (CA; older notation c.973_974dupCA).
Protein change: p.Gln325fs; shifts the reading frame from glutamine 325.
Molecular consequence: frameshift variant.
Genome position (GRCh38, 1-based): chr22:20,991,809-20,991,810, CA duplicated. VCF-style (leftmost placement, unchanged base first): chr22-20991808-C-CCA. GRCh37 (hg19) VCF-style: chr22-21346097-C-CCA.
Other names: short protein forms Q325fs.
Identifiers: ClinVar variation 2125453 (VCV002125453.4), dbSNP rs2518617367, ClinGen allele CA2580099214.

ClinVar aggregate classification (germline): Pathogenic (1 of 4 stars; one submission).

Submission:

Labcorp Genetics (formerly Invitae), Labcorp
Classification: Pathogenic. Last evaluated: 2022-04-12. Review status: criteria provided, single submitter. Criteria: Invitae Variant Classification Sherloc (09022015). Collection method: clinical testing. Allele origin: germline.
Comment: This variant is not present in population databases (gnomAD no frequency). This sequence change creates a premature translational stop signal (p.Gln325Hisfs*27) in the LZTR1 gene. It is expected to result in an absent or disrupted protein product. Loss-of-function variants in LZTR1 are known to be pathogenic (PMID: 24362817, 25335493, 25480913, 25795793, 29469822, 30442762, 30442766, 30481304, 30859559). This variant has not been reported in the literature in individuals affected with LZTR1-related conditions. For these reasons, this variant has been classified as Pathogenic.

Literature cited by the submitters: PubMed 24362817; PubMed 25335493; PubMed 25480913; PubMed 25795793; PubMed 29469822; PubMed 30442762; PubMed 30442766; PubMed 30481304; PubMed 30859559.